The following is an entry in ClinVar:

ClinVar aggregate classification (germline): Uncertain significance (1 of 4 stars; one submission).

Conditions:
Inborn genetic diseases. Identifiers: MedGen C0950123, MeSH D030342.

Submission:

Ambry Genetics
Classification: Uncertain significance for Inborn genetic diseases. Last evaluated: 2024-07-30. Review status: criteria provided, single submitter. Criteria: Ambry Variant Classification Scheme 2023. Collection method: clinical testing. Allele origin: germline.
Comment: The c.2933_2944dupTCCAGCATCCAC (p.L978_P981dup) alteration is located in exon 20 (coding exon 20) of the PTPN23 gene. The alteration consists of an in-frame duplication of 12 nucleotides from position 2933 to 2944, resulting in the duplication of 4 residues. Based on insufficient or conflicting evidence, the clinical significance of this alteration remains unclear.

NM_015466.4(PTPN23):c.2933_2944dup (p.Pro981_His982insLeuGlnHisPro)

Gene: PTPN23 (protein tyrosine phosphatase non-receptor type 23; plus strand). Cytogenetic location: 3p21.31.
Variant type: Duplication.
Coding change: c.2933_2944dup on transcript NM_015466.4 (MANE Select); coding-DNA positions 2933 to 2944, 12 bases duplicated (TCCAGCATCCAC).
Protein change: p.Pro981_His982insLeuGlnHisPro.
Genome position (GRCh38, 1-based): chr3:47,410,731-47,410,742, TCCAGCATCCAC duplicated; duplicating any 12 consecutive bases within chr3:47,410,726-47,410,742 gives the same sequence; the c. name uses the placement nearest the transcript's 3' end. VCF-style (leftmost placement, unchanged base first): chr3-47410725-T-TTCCACTCCAGCA. GRCh37 (hg19) VCF-style: chr3-47452215-T-TTCCACTCCAGCA.
Other names: c.2555_2566dup, p.Pro855_His856insLeuGlnHisPro (NM_001304482.2).
Identifiers: ClinVar variation 3427851 (VCV003427851.1).